The following is an entry in ClinVar:

NM_015114.3(ANKLE2):c.2808C>T (p.Ala936=)

Gene: ANKLE2 (ankyrin repeat and LEM domain containing 2; minus strand). Cytogenetic location: 12q24.33.
Variant type: single nucleotide variant.
Coding change: c.2808C>T on transcript NM_015114.3 (MANE Select); coding-DNA position 2808, C replaced by T.
Protein change: p.Ala936=; no amino-acid change (alanine 936 retained).
Molecular consequence: synonymous variant.
Genome position (GRCh38, 1-based): chr12:132,727,251, G>A on the plus strand (C>T on the coding strand, the complement: ANKLE2 is on the minus strand). VCF-style: chr12-132727251-G-A. GRCh37 (hg19) VCF-style: chr12-133303837-G-A.
Identifiers: ClinVar variation 731799 (VCV000731799.27), dbSNP rs373809667, ClinGen allele CA6895101.

ClinVar aggregate classification (germline): Likely benign. Review status: criteria provided, multiple submitters, no conflicts (2 of 4 stars). 7 submissions from 7 submitters: Likely benign (6). 1 of the submissions does not count toward it. Last evaluated 2025-05-20.

Conditions:
ANKLE2-related disorder. Also called: ANKLE2-related condition.

Allele frequency attached by ClinVar (database versions not stated): gnomAD exomes 0.00018 and 0.00043; ExAC 0.00082; ESP Exome Variant Server 0.00084; gnomAD 0.00146 and 0.00160; TOPMed 0.00162; 1000 Genomes Project 30x 0.00172; 1000 Genomes Project 0.00200.
gnomAD v4.1: 497 of 1,557,284 alleles (0.032%); highest among the groups gnomAD compares: African/African-American, 0.52%; 2 homozygotes.

Submissions (7):

Women's Health and Genetics/Laboratory Corporation of America, LabCorp
Classification: Likely benign. Last evaluated: 2025-05-20. Review status: criteria provided, single submitter. Criteria: LabCorp Variant Classification Summary - May 2015. Collection method: clinical testing. Allele origin: germline.

Blueprint Genetics
Classification: Likely benign. Last evaluated: 2024-11-26. Review status: criteria provided, single submitter. Criteria: ACMG Guidelines, 2015. Collection method: clinical testing. Allele origin: germline.

CeGaT Center for Human Genetics Tuebingen
Classification: Likely benign. Last evaluated: 2024-06-01. Review status: criteria provided, single submitter. Criteria: CeGaT Center For Human Genetics Tuebingen Variant Classification Criteria Version 2. Collection method: clinical testing. Allele origin: germline. Affected: yes. Observed: 1 variant allele.
Comment: ANKLE2: BP4, BP7

GeneDx
Classification: Likely benign. Last evaluated: 2021-03-17. Review status: criteria provided, single submitter. Criteria: GeneDx Variant Classification Process June 2021. Collection method: clinical testing. Allele origin: germline. Affected: yes.

Labcorp Genetics (formerly Invitae), Labcorp
Classification: Likely benign. Last evaluated: 2019-12-31. Review status: criteria provided, single submitter. Criteria: Invitae Variant Classification Sherloc (09022015). Collection method: clinical testing. Allele origin: germline.

Breakthrough Genomics
Classification: Likely benign. Review status: criteria provided, single submitter. Criteria: ACMG Guidelines, 2015. Collection method: not provided. Allele origin: germline. Inheritance: Autosomal recessive inheritance. Affected: yes.

PreventionGenetics, part of Exact Sciences
Classification: Likely benign for ANKLE2-related condition. Last evaluated: 2021-08-19. Review status: no assertion criteria provided. Collection method: clinical testing. Allele origin: germline. Not counted in ClinVar's aggregate classification.
Comment: This variant is classified as likely benign based on ACMG/AMP sequence variant interpretation guidelines (Richards et al. 2015 PMID: 25741868, with internal and published modifications).